The following is an entry in ClinVar:

NM_004260.4(RECQL4):c.464T>G (p.Val155Gly)

Gene: RECQL4 (RecQ like helicase 4; minus strand). Cytogenetic location: 8q24.3.
Variant type: single nucleotide variant.
Coding change: c.464T>G on transcript NM_004260.4 (MANE Select); coding-DNA position 464, T replaced by G.
Protein change: p.Val155Gly; replaces valine 155 with glycine.
Molecular consequence: missense variant.
Genome position (GRCh38, 1-based): chr8:144,516,655, A>C on the plus strand (T>G on the coding strand, the complement: RECQL4 is on the minus strand). VCF-style: chr8-144516655-A-C. GRCh37 (hg19) VCF-style: chr8-145742039-A-C.
Other names: c.464T>G, p.Val155Gly (NM_001413017.1, NM_001413018.1, NM_001413019.1 and 4 more transcripts); c.-608T>G (NM_001413022.1, NM_001413023.1, NM_001413024.1 and 5 more transcripts); c.335T>G, p.Val112Gly (NM_001413025.1); c.-670T>G (NM_001413027.1, NM_001413030.1, NM_001413031.1 and 2 more transcripts); c.-512T>G (NM_001413034.1); c.-877T>G (NM_001413043.1); short protein forms V155G, V112G.
Identifiers: ClinVar variation 2065212 (VCV002065212.4), dbSNP rs2130728419, ClinGen allele CA372691376.
Genomic context (GRCh38, chr8:144,516,655, plus strand): 5'-AGATGCTGGAGCCGGCCTGGCCTTGGCTGGGGCTCAGGGAGCTGTGGAGGCTCATCACTG[A>C]CTTTTTCTGCAAAGGAGGGGACAGGCCCTGTACCTGGGGGCTTTGGGGTGGATGCCTTAG-3'
Protein context (NP_004251.4, residues 145-165): TGPVPSFAEK[Val155Gly]SDEPPQLPEP

ClinVar aggregate classification (germline): Uncertain significance (1 of 4 stars; one submission).

Conditions:
Baller-Gerold syndrome (BGS). Also called: CRANIOSYNOSTOSIS WITH RADIAL DEFECTS. Identifiers: Orphanet 1225, MedGen C0265308, MONDO:0009039, OMIM 218600.

Submission:

Labcorp Genetics (formerly Invitae), Labcorp
Classification: Uncertain significance for Baller-Gerold syndrome. Last evaluated: 2023-06-20. Review status: criteria provided, single submitter. Criteria: Invitae Variant Classification Sherloc (09022015). Collection method: clinical testing. Allele origin: germline.
Comment: This sequence change replaces valine, which is neutral and non-polar, with glycine, which is neutral and non-polar, at codon 155 of the RECQL4 protein (p.Val155Gly). This variant is not present in population databases (gnomAD no frequency). This variant has not been reported in the literature in individuals affected with RECQL4-related conditions. ClinVar contains an entry for this variant (Variation ID: 2065212). Advanced modeling of protein sequence and biophysical properties (such as structural, functional, and spatial information, amino acid conservation, physicochemical variation, residue mobility, and thermodynamic stability) performed at Invitae indicates that this missense variant is not expected to disrupt RECQL4 protein function. In summary, the available evidence is currently insufficient to determine the role of this variant in disease. Therefore, it has been classified as a Variant of Uncertain Significance.